The following is an entry in ClinVar:

ClinVar aggregate classification (germline): Conflicting classifications of pathogenicity. Review status: criteria provided, conflicting classifications (1 of 4 stars). 4 submissions from 4 submitters: Uncertain significance (1); Likely benign (3). Last evaluated 2026-08-01.

Conditions:
Osteogenesis imperfecta type 9 (OI9). Also called: Oi type IX; OI 9; Osteogenesis imperfecta sillence type II/III without abnormality of type I collagen. Identifiers: MedGen C1850169, MONDO:0009805, OMIM 259440.

Allele frequency attached by ClinVar (database versions not stated): ESP Exome Variant Server 0.00008; gnomAD 0.00008 and 0.00013; TOPMed 0.00008; gnomAD exomes 0.00011 and 0.00018; ExAC 0.00021.
gnomAD v4.1: 186 of 1,614,186 alleles (0.012%); highest among the groups gnomAD compares: Middle Eastern, 0.16%; no homozygotes.

Submissions (4):

CeGaT Center for Human Genetics Tuebingen
Classification: Likely benign. Last evaluated: 2026-08-01. Review status: criteria provided, single submitter. Criteria: CeGaT Center For Human Genetics Tuebingen Variant Classification Criteria Version 2. Collection method: clinical testing. Allele origin: germline. Affected: yes. Observed: 1 variant allele.
Comment: PPIB: BP4, BP7

Labcorp Genetics (formerly Invitae), Labcorp
Classification: Likely benign. Last evaluated: 2026-01-25. Review status: criteria provided, single submitter. Criteria: Invitae Variant Classification Sherloc (09022015). Collection method: clinical testing. Allele origin: germline.

GeneDx
Classification: Likely benign. Last evaluated: 2021-06-21. Review status: criteria provided, single submitter. Criteria: GeneDx Variant Classification Process June 2021. Collection method: clinical testing. Allele origin: germline. Affected: yes.

Illumina Laboratory Services, Illumina
Classification: Uncertain significance for Osteogenesis imperfecta type 9. Last evaluated: 2018-01-12. Review status: criteria provided, single submitter. Criteria: ICSL Variant Classification Criteria 13 December 2019. Collection method: clinical testing. Allele origin: germline.

NM_000942.5(PPIB):c.597C>T (p.Ile199=)

Genes: PPIB (peptidylprolyl isomerase B; minus strand), SNX22 (sorting nexin 22; plus strand). Cytogenetic location: 15q22.31.
Variant type: single nucleotide variant.
Coding change: c.597C>T on transcript NM_000942.5 (MANE Select); coding-DNA position 597, C replaced by T.
Protein change: p.Ile199=; no amino-acid change (isoleucine 199 retained).
Molecular consequence: synonymous variant. On other transcripts: 3 prime UTR variant (1), non-coding transcript variant (1).
Genome position (GRCh38, 1-based): chr15:64,156,077, G>A on the plus strand (C>T on the coding strand, the complement: PPIB is on the minus strand). VCF-style: chr15-64156077-G-A. GRCh37 (hg19) VCF-style: chr15-64448276-G-A.
Other names: c.*1569G>A (NM_024798.3).
Identifiers: ClinVar variation 316701 (VCV000316701.17), dbSNP rs369889089, ClinGen allele CA7608430.
Genomic context (GRCh38, chr15:64,156,077, plus strand): 5'-TGTGCCCTACTCCTTGGCGATGGCAAAGGGCTTCTCCACCTCGATCTTGCCGCAGTCTGC[G>A]ATGATCACATCCTTCAGGGGTTTATCCCGGCTGTCTGTCTTGGTGCTCTCCACCTTCCGC-3'
Protein context (NP_000933.1, residues 189-209): SRDKPLKDVI[Ile199=]ADCGKIEVEK